The following is an entry in ClinVar:

NM_001163278.2(TENM1):c.3052C>T (p.Pro1018Ser)

Gene: TENM1 (teneurin transmembrane protein 1; minus strand). Cytogenetic location: Xq25.
Variant type: single nucleotide variant.
Coding change: c.3052C>T on transcript NM_001163278.2 (MANE Select); coding-DNA position 3052, C replaced by T.
Protein change: p.Pro1018Ser; replaces proline 1018 with serine.
Molecular consequence: missense variant.
Genome position (GRCh38, 1-based): chrX:124,520,766, G>A on the plus strand (C>T on the coding strand, the complement: TENM1 is on the minus strand). VCF-style: chrX-124520766-G-A. GRCh37 (hg19) VCF-style: chrX-123654616-G-A.
Other names: c.3049C>T, p.Pro1017Ser (NM_001163279.1); c.3052C>T, p.Pro1018Ser (NM_014253.3); short protein forms P1018S, P1017S.
Identifiers: ClinVar variation 713430 (VCV000713430.6), dbSNP rs146602991, ClinGen allele CA10510018.
Genomic context (GRCh38, chrX:124,520,766, plus strand): 5'-TTTTATACCCAGGGGTGCGGCTGCTCAGGTAACTCAGCCTCACAAAGCTGGAGGGAATGG[G>A]AATTTCCTCCTGTACAACCTGAAATAAAAAAAAAAAAAAAAAGCCAAATAGGCTCTTGTC-3'
Protein context (NP_001156750.1, residues 1008-1028): PELQVVQEEI[Pro1018Ser]IPSSFVRLSY

ClinVar aggregate classification (germline): Benign. Review status: criteria provided, single submitter (1 of 4 stars). 2 submissions from 2 submitters: Benign (1). 1 of the submissions does not count toward it. Last evaluated 2018-09-13.

Conditions:
TENM1-related disorder. Also called: TENM1-related condition.

Allele frequency attached by ClinVar (database versions not stated): 1000 Genomes Project 30x 0.00104; 1000 Genomes Project 0.00132; gnomAD exomes 0.00252 and 0.00342; TOPMed 0.00265; gnomAD 0.00267 and 0.00269; ESP Exome Variant Server 0.00275; ExAC 0.00284.

Submissions (2):

Labcorp Genetics (formerly Invitae), Labcorp
Classification: Benign. Last evaluated: 2018-09-13. Review status: criteria provided, single submitter. Criteria: Invitae Variant Classification Sherloc (09022015). Collection method: clinical testing. Allele origin: germline.

PreventionGenetics, part of Exact Sciences
Classification: Likely benign for TENM1-related condition. Last evaluated: 2024-01-17. Review status: no assertion criteria provided. Collection method: clinical testing. Allele origin: germline. Not counted in ClinVar's aggregate classification.
Comment: This variant is classified as likely benign based on ACMG/AMP sequence variant interpretation guidelines (Richards et al. 2015 PMID: 25741868, with internal and published modifications).